The following is an entry in ClinVar:

ClinVar aggregate classification (germline): Conflicting classifications of pathogenicity. Review status: criteria provided, conflicting classifications (1 of 4 stars). 2 submissions from 2 submitters: Uncertain significance (1); Likely benign (1). Last evaluated 2024-09-27.

gnomAD v4.1: 59 of 1,606,816 alleles (0.0037%); highest among the groups gnomAD compares: African/African-American, 0.036%; no homozygotes.

Submissions (2):

Labcorp Genetics (formerly Invitae), Labcorp
Classification: Uncertain significance. Last evaluated: 2024-09-27. Review status: criteria provided, single submitter. Criteria: Invitae Variant Classification Sherloc (09022015). Collection method: clinical testing. Allele origin: germline.
Comment: This sequence change replaces glutamic acid, which is acidic and polar, with lysine, which is basic and polar, at codon 112 of the CASZ1 protein (p.Glu112Lys). This variant is present in population databases (rs771369589, gnomAD 0.02%). This variant has not been reported in the literature in individuals affected with CASZ1-related conditions. An algorithm developed to predict the effect of missense changes on protein structure and function (PolyPhen-2) suggests that this variant is likely to be tolerated. In summary, the available evidence is currently insufficient to determine the role of this variant in disease. Therefore, it has been classified as a Variant of Uncertain Significance.

Blueprint Genetics
Classification: Likely benign. Last evaluated: 2024-05-30. Review status: criteria provided, single submitter. Criteria: ACMG Guidelines, 2015. Collection method: clinical testing. Allele origin: germline.

NM_001079843.3(CASZ1):c.334G>A (p.Glu112Lys)

Gene: CASZ1 (castor zinc finger 1; minus strand). Cytogenetic location: 1p36.22.
Variant type: single nucleotide variant.
Coding change: c.334G>A on transcript NM_001079843.3 (MANE Select); coding-DNA position 334, G replaced by A.
Protein change: p.Glu112Lys; replaces glutamic acid 112 with lysine.
Molecular consequence: missense variant.
Genome position (GRCh38, 1-based): chr1:10,665,254, C>T on the plus strand (G>A on the coding strand, the complement: CASZ1 is on the minus strand). VCF-style: chr1-10665254-C-T. GRCh37 (hg19) VCF-style: chr1-10725311-C-T.
Other names: c.334G>A, p.Glu112Lys (NM_017766.5); short protein forms E112K.
Identifiers: ClinVar variation 3669821 (VCV003669821.3).